The following is an entry in ClinVar:

ClinVar aggregate classification (germline): Pathogenic. Review status: criteria provided, multiple submitters, no conflicts (2 of 4 stars). 3 submissions from 3 submitters: Pathogenic (3). Last evaluated 2025-11-21.

Conditions:
Ataxia-telangiectasia syndrome (AT). Also called: Ataxia-telangiectasia; LOUIS-BAR SYNDROME; Ataxia-telangiectasia, complementation group D; AT, COMPLEMENTATION GROUP C; ATAXIA-TELANGIECTASIA, COMPLEMENTATION GROUP A; ATAXIA-TELANGIECTASIA, FRESNO VARIANT. Identifiers: Orphanet 100, MedGen C0004135, MONDO:0008840, OMIM 208900.
Familial cancer of breast. Also called: BREAST CANCER, FAMILIAL; Hereditary breast cancer; hereditary breast carcinoma. Identifiers: Orphanet 227535, MedGen C0346153, MONDO:0016419, OMIM 114480. Disease mechanism: loss of function.
Hereditary cancer-predisposing syndrome. Also called: Tumor predisposition; Neoplastic Syndromes, Hereditary; Hereditary Cancer Syndrome; Hereditary neoplastic syndrome. Identifiers: Orphanet 140162, MedGen C0027672, MeSH D009386, MONDO:0015356.

Submissions (3):

Labcorp Genetics (formerly Invitae), Labcorp
Classification: Pathogenic for Ataxia-telangiectasia syndrome. Last evaluated: 2025-11-21. Review status: criteria provided, single submitter. Criteria: Invitae Variant Classification Sherloc (09022015). Collection method: clinical testing. Allele origin: germline.
Comment: This sequence change creates a premature translational stop signal (p.Lys2639*) in the ATM gene. RNA analysis indicates that this premature translational stop signal induces altered splicing and may result in an absent or altered protein product. This variant is not present in population databases (gnomAD no frequency). This variant has not been reported in the literature in individuals affected with ATM-related conditions. ClinVar contains an entry for this variant (Variation ID: 1421780). Studies have shown that this premature translational stop signal results in skipping of exon 53, and produces a non-functional protein and/or introduces a premature termination codon (internal data). For these reasons, this variant has been classified as Pathogenic.

Myriad Genetics, Inc.
Classification: Pathogenic for Familial cancer of breast. Last evaluated: 2024-02-01. Review status: criteria provided, single submitter. Criteria: Myriad Autosomal Dominant, Autosomal Recessive and X-Linked Classification Criteria (2023). Collection method: clinical testing. Allele origin: unknown.
Comment: This variant is considered pathogenic. This variant creates a termination codon and is predicted to result in premature protein truncation.

Ambry Genetics
Classification: Pathogenic for Hereditary cancer-predisposing syndrome. Last evaluated: 2023-11-13. Review status: criteria provided, single submitter. Criteria: Ambry Variant Classification Scheme 2023. Collection method: clinical testing. Allele origin: germline.
Comment: The p.K2639* pathogenic mutation (also known as c.7915A>T), located in coding exon 52 of the ATM gene, results from an A to T substitution at nucleotide position 7915. This changes the amino acid from a lysine to a stop codon within coding exon 52. This variant has been detected in conjunction with an ATM pathogenic variant in at least one individual diagnosed with clinical features of ataxia-telangiectasia; however, the phase of the two variants is unknown (Kim J et al. Nature, 2023 Jul;619:828-836; Hoche F et al. Cerebellum, 2019 Apr;18:225-244). This alteration is expected to result in loss of function by premature protein truncation or nonsense-mediated mRNA decay. As such, this alteration is interpreted as a disease-causing mutation.

Literature cited by the submitters: PubMed 30338439 (cited by Ambry Genetics); PubMed 37438524 (cited by Ambry Genetics).

NM_000051.4(ATM):c.7915A>T (p.Lys2639Ter)

Genes: ATM (ATM serine/threonine kinase; plus strand), C11orf65 (chromosome 11 open reading frame 65; minus strand). Cytogenetic location: 11q22.3.
Variant type: single nucleotide variant.
Coding change: c.7915A>T on transcript NM_000051.4 (MANE Select); coding-DNA position 7915, A replaced by T.
Protein change: p.Lys2639Ter; replaces lysine 2639 with a stop codon.
Molecular consequence: nonsense. On other transcripts: intron variant (2).
Genome position (GRCh38, 1-based): chr11:108,332,888, A>T. VCF-style: chr11-108332888-A-T. GRCh37 (hg19) VCF-style: chr11-108203615-A-T.
Other names: c.7915A>T, p.Lys2639Ter (NM_001351834.2); c.641-23817T>A (NM_001330368.2); c.*38+2332T>A (NM_001351110.2); short protein forms K2639*.
Identifiers: ClinVar variation 1421780 (VCV001421780.7), dbSNP rs2136572656, ClinGen allele CA382561506.